The following is an entry in ClinVar:

NM_001042472.3(ABHD12):c.573G>A (p.Lys191=)

Gene: ABHD12 (abhydrolase domain containing 12, lysophospholipase; minus strand). Cytogenetic location: 20p11.21.
Variant type: single nucleotide variant.
Coding change: c.573G>A on transcript NM_001042472.3 (MANE Select); coding-DNA position 573, G replaced by A.
Protein change: p.Lys191=; no amino-acid change (lysine 191 retained).
Molecular consequence: synonymous variant.
Genome position (GRCh38, 1-based): chr20:25,317,048, C>T on the plus strand (G>A on the coding strand, the complement: ABHD12 is on the minus strand). VCF-style: chr20-25317048-C-T. GRCh37 (hg19) VCF-style: chr20-25297684-C-T.
Other names: c.573G>A, p.Lys191= (NM_015600.5).
Identifiers: ClinVar variation 1491720 (VCV001491720.6), dbSNP rs770467212, ClinGen allele CA9796093.

ClinVar aggregate classification (germline): Uncertain significance (1 of 4 stars; one submission).

Allele frequency attached by ClinVar (database versions not stated): gnomAD exomes below 0.00001 and 0.00002; ExAC 0.00001.
gnomAD v4.1: 30 of 1,613,034 alleles (0.0019%); highest among the groups gnomAD compares: Non-Finnish European, 0.0025%; no homozygotes.

Submission:

Labcorp Genetics (formerly Invitae), Labcorp
Classification: Uncertain significance. Last evaluated: 2021-05-17. Review status: criteria provided, single submitter. Criteria: Invitae Variant Classification Sherloc (09022015). Collection method: clinical testing. Allele origin: germline.
Comment: In summary, the available evidence is currently insufficient to determine the role of this variant in disease. Therefore, it has been classified as a Variant of Uncertain Significance. Nucleotide substitutions within the consensus splice site are a relatively common cause of aberrant splicing (PMID: 17576681, 9536098). Algorithms developed to predict the effect of sequence changes on RNA splicing suggest that this variant may disrupt the consensus splice site, but this prediction has not been confirmed by published transcriptional studies. This variant has not been reported in the literature in individuals with ABHD12-related conditions. This variant is present in population databases (rs770467212, ExAC 0.009%). This sequence change affects codon 191 of the ABHD12 mRNA. It is a 'silent' change, meaning that it does not change the encoded amino acid sequence of the ABHD12 protein. This variant also falls at the last nucleotide of exon 5, which is part of the consensus splice site for this exon.

Literature cited by the submitters: PubMed 17576681; PubMed 9536098.